The following is an entry in ClinVar:

ClinVar aggregate classification (germline): Uncertain significance. Review status: criteria provided, multiple submitters, no conflicts (2 of 4 stars). 2 submissions from 2 submitters: Uncertain significance (2). Last evaluated 2026-01-26.

Conditions:
Combined immunodeficiency due to DOCK8 deficiency (HIES2). Also called: Hyper-IgE recurrent infection syndrome, autosomal recessive; HIES autosomal recessive; HYPER-IgE SYNDROME 2, AUTOSOMAL RECESSIVE, WITH RECURRENT INFECTIONS; HYPER-IgE RECURRENT INFECTION SYNDROME 2, AUTOSOMAL RECESSIVE; DOCK8 Deficiency. Identifiers: Orphanet 217390, MedGen C4722305, MONDO:0009478, OMIM 243700.

Allele frequency attached by ClinVar (database versions not stated): TOPMed 0.00005.
gnomAD v4.1: 58 of 1,613,564 alleles (0.0036%); highest among the groups gnomAD compares: East Asian, 0.027%; no homozygotes.

Submissions (2):

Labcorp Genetics (formerly Invitae), Labcorp
Classification: Uncertain significance for Combined immunodeficiency due to DOCK8 deficiency. Last evaluated: 2026-01-26. Review status: criteria provided, single submitter. Criteria: Invitae Variant Classification Sherloc (09022015). Collection method: clinical testing. Allele origin: germline.
Comment: This sequence change replaces arginine, which is basic and polar, with tryptophan, which is neutral and slightly polar, at codon 2063 of the DOCK8 protein (p.Arg2063Trp). This variant is present in population databases (rs754936136, gnomAD 0.04%). This variant has not been reported in the literature in individuals affected with DOCK8-related conditions. ClinVar contains an entry for this variant (Variation ID: 957642). Invitae Evidence Modeling of protein sequence and biophysical properties (such as structural, functional, and spatial information, amino acid conservation, physicochemical variation, residue mobility, and thermodynamic stability) indicates that this missense variant is not expected to disrupt DOCK8 protein function with a negative predictive value of 80%. In summary, the available evidence is currently insufficient to determine the role of this variant in disease. Therefore, it has been classified as a Variant of Uncertain Significance.

CeGaT Center for Human Genetics Tuebingen
Classification: Uncertain significance. Last evaluated: 2021-07-01. Review status: criteria provided, single submitter. Criteria: CeGaT Center For Human Genetics Tuebingen Variant Classification Criteria Version 2. Collection method: clinical testing. Allele origin: germline. Affected: yes. Observed: 1 variant allele.

NM_203447.4(DOCK8):c.6187C>T (p.Arg2063Trp)

Gene: DOCK8 (dedicator of cytokinesis 8; plus strand). Cytogenetic location: 9p24.3.
Variant type: single nucleotide variant.
Coding change: c.6187C>T on transcript NM_203447.4 (MANE Select); coding-DNA position 6187, C replaced by T.
Protein change: p.Arg2063Trp; replaces arginine 2063 with tryptophan.
Molecular consequence: missense variant.
Genome position (GRCh38, 1-based): chr9:463,635, C>T. VCF-style: chr9-463635-C-T. GRCh37 (hg19) VCF-style: chr9-463635-C-T.
Other names: c.5887C>T, p.Arg1963Trp (NM_001190458.2); c.5983C>T, p.Arg1995Trp (NM_001193536.2); short protein forms R1963W, R2063W, R1995W.
Identifiers: ClinVar variation 957642 (VCV000957642.41), dbSNP rs754936136, ClinGen allele CA4959707.